The following is an entry in ClinVar:

ClinVar aggregate classification (germline): Benign. Review status: criteria provided, multiple submitters, no conflicts (2 of 4 stars). 2 submissions from 2 submitters: Benign (2). Last evaluated 2018-06-14.

Allele frequency attached by ClinVar (database versions not stated): gnomAD 0.15195; TOPMed 0.15919; gnomAD exomes 0.16655; 1000 Genomes Project 30x 0.17349; 1000 Genomes Project 0.17812.
gnomAD v4.1: 139,848 of 857,460 alleles (16%); highest among the groups gnomAD compares: East Asian, 40%; 12,962 homozygotes.

Submissions (2):

GeneDx
Classification: Benign. Last evaluated: 2018-06-14. Review status: criteria provided, single submitter. Criteria: GeneDx Variant Classification (06012015). Collection method: clinical testing. Allele origin: germline. Affected: yes.
Comment: This variant is considered likely benign or benign based on one or more of the following criteria: it is a conservative change, it occurs at a poorly conserved position in the protein, it is predicted to be benign by multiple in silico algorithms, and/or has population frequency not consistent with disease.

Breakthrough Genomics
Classification: Benign. Review status: criteria provided, single submitter. Criteria: ACMG Guidelines, 2015. Collection method: not provided. Allele origin: germline. Inheritance: Autosomal recessive inheritance. Affected: yes.

NM_018979.4(WNK1):c.5280+128A>G

Gene: WNK1 (WNK lysine deficient protein kinase 1; plus strand). Cytogenetic location: 12p13.33.
Variant type: single nucleotide variant.
Coding change: c.5280+128A>G on transcript NM_018979.4 (MANE Select); 128 bases into the intron after coding-DNA position 5280, A replaced by G.
Molecular consequence: intron variant.
Genome position (GRCh38, 1-based): chr12:886,212, A>G. VCF-style: chr12-886212-A-G. GRCh37 (hg19) VCF-style: chr12-995378-A-G.
Other names: c.6036+128A>G (NM_213655.5); c.6060+128A>G (NM_001184985.2); c.4539+128A>G (NM_014823.3).
Identifiers: ClinVar variation 670308 (VCV000670308.2), dbSNP rs7975948, ClinGen allele CA15729972.
Genomic context (GRCh38, chr12:886,212, plus strand): 5'-TTTCACTTCAGCCTTGTAAGTTAGAAACATATTTATAAAGGTACCTGGCTTATAGTATTT[A>G]TTAAATTGACAGCAGTTTGAGGGTATATCTACAATGAACATGAGATTTTTTTTTCAAGTG-3'